The following is an entry in ClinVar:

NM_007194.4(CHEK2):c.1471A>T (p.Met491Leu)

Gene: CHEK2 (checkpoint kinase 2; minus strand). Cytogenetic location: 22q12.1.
Variant type: single nucleotide variant.
Coding change: c.1471A>T on transcript NM_007194.4 (MANE Select); coding-DNA position 1471, A replaced by T.
Protein change: p.Met491Leu; replaces methionine 491 with leucine.
Molecular consequence: missense variant.
Genome position (GRCh38, 1-based): chr22:28,689,206, T>A on the plus strand (A>T on the coding strand, the complement: CHEK2 is on the minus strand). VCF-style: chr22-28689206-T-A. GRCh37 (hg19) VCF-style: chr22-29085194-T-A.
Other names: c.1600A>T, p.Met534Leu (NM_001005735.3); c.808A>T, p.Met270Leu (NM_001257387.3); c.1270A>T, p.Met424Leu (NM_001349956.3); c.1384A>T, p.Met462Leu (NM_145862.3); short protein forms M491L, M270L, M424L, M534L, M462L.
Identifiers: ClinVar variation 530145 (VCV000530145.16), dbSNP rs1555912088, ClinGen allele CA411092683.

ClinVar aggregate classification (germline): Uncertain significance. Review status: criteria provided, multiple submitters, no conflicts (2 of 4 stars). 3 submissions from 3 submitters: Uncertain significance (3). Last evaluated 2025-11-26.

Conditions:
Hereditary cancer-predisposing syndrome. Also called: Hereditary neoplastic syndrome; Neoplastic Syndromes, Hereditary; Hereditary Cancer Syndrome; Tumor predisposition. Identifiers: Orphanet 140162, MedGen C0027672, MeSH D009386, MONDO:0015356.
Familial cancer of breast. Also called: BREAST CANCER, FAMILIAL; Hereditary breast cancer; hereditary breast carcinoma. Identifiers: Orphanet 227535, MedGen C0346153, MONDO:0016419, OMIM 114480. Disease mechanism: loss of function.

Submissions (3):

Ambry Genetics
Classification: Uncertain significance for Hereditary cancer-predisposing syndrome. Last evaluated: 2025-11-26. Review status: criteria provided, single submitter. Criteria: Ambry Variant Classification Scheme 2023. Collection method: clinical testing. Allele origin: germline.
Comment: The p.M491L variant (also known as c.1471A>T), located in coding exon 13 of the CHEK2 gene, results from an A to T substitution at nucleotide position 1471. The methionine at codon 491 is replaced by leucine, an amino acid with highly similar properties. This amino acid position is highly conserved in available vertebrate species. In addition, the in silico prediction for this alteration is inconclusive. Based on the available evidence, the clinical significance of this variant remains unclear.

Center for Genomic Medicine, Rigshospitalet, Copenhagen University Hospital
Classification: Uncertain significance. Last evaluated: 2025-03-04. Review status: criteria provided, single submitter. Criteria: ACMG Guidelines, 2015. Collection method: clinical testing. Allele origin: germline.

Labcorp Genetics (formerly Invitae), Labcorp
Classification: Uncertain significance for Familial cancer of breast. Last evaluated: 2023-11-21. Review status: criteria provided, single submitter. Criteria: Invitae Variant Classification Sherloc (09022015). Collection method: clinical testing. Allele origin: germline.
Comment: This sequence change replaces methionine, which is neutral and non-polar, with leucine, which is neutral and non-polar, at codon 491 of the CHEK2 protein (p.Met491Leu). This variant is not present in population databases (gnomAD no frequency). This missense change has been observed in individual(s) with colorectal cancer (PMID: 28135145). ClinVar contains an entry for this variant (Variation ID: 530145). An algorithm developed to predict the effect of missense changes on protein structure and function (PolyPhen-2) suggests that this variant is likely to be tolerated. In summary, the available evidence is currently insufficient to determine the role of this variant in disease. Therefore, it has been classified as a Variant of Uncertain Significance.

Literature cited by the submitters: PubMed 28135145 (cited by Labcorp Genetics (formerly Invitae), Labcorp).